The following is an entry in ClinVar:

ClinVar aggregate classification (germline): Uncertain significance. Review status: criteria provided, multiple submitters, no conflicts (2 of 4 stars). 3 submissions from 3 submitters: Uncertain significance (3). Last evaluated 2025-12-20.

Conditions:
Hyperkalemic periodic paralysis. Also called: Familial hyperkalemic periodic paralysis; Gamstorp disease. Identifiers: Orphanet 682, MedGen C0238357, MONDO:0008224, OMIM 170500, HP:0007215.
Congenital myasthenic syndrome 16. Identifiers: Orphanet 590, MedGen C3280112, MONDO:0013620, OMIM 614198.
Paramyotonia congenita of Von Eulenburg. Also called: Myotonia congenita intermittens; Von Eulenburg paramyotonia congenita; Paramyotonia Congenita; PARALYSIS PERIODICA PARAMYOTONICA; Eulenburg disease. Identifiers: Orphanet 684, MedGen C0221055, MONDO:0008195, OMIM 168300. Disease mechanism: loss of function.
Congenital myopathy 22A, classic (CMYO22A). Identifiers: MedGen C5830453, MONDO:0957247, OMIM 620351.
Congenital myopathy 22B, severe fetal (CMYO22B). Identifiers: MedGen C5830501, MONDO:0957265, OMIM 620369.
Hypokalemic periodic paralysis, type 2 (HOKPP2). Identifiers: Orphanet 681, MedGen C2750061, MONDO:0013234, OMIM 613345.
Potassium-aggravated myotonia. Also called: Myotonia congenita, atypical, acetazolamide-responsive; MYOTONIA CONGENITA, ACETAZOLAMIDE-RESPONSIVE; MYOTONIA CONGENITA, ATYPICAL; SODIUM CHANNEL MUSCLE DISEASE. Identifiers: Orphanet 612, Orphanet 99734, Orphanet 99735, Orphanet 99736, MedGen C2931826, MONDO:0018959, OMIM 608390.

Allele frequency attached by ClinVar (database versions not stated): gnomAD exomes 0.00001; ExAC 0.00001; TOPMed 0.00001; gnomAD 0.00001.
gnomAD v4.1: 23 of 1,613,652 alleles (0.0014%); highest among the groups gnomAD compares: African/African-American, 0.0027%; no homozygotes.

Submissions (3):

Labcorp Genetics (formerly Invitae), Labcorp
Classification: Uncertain significance for Hyperkalemic periodic paralysis. Last evaluated: 2025-12-20. Review status: criteria provided, single submitter. Criteria: Invitae Variant Classification Sherloc (09022015). Collection method: clinical testing. Allele origin: germline.
Comment: This sequence change replaces glutamic acid, which is acidic and polar, with lysine, which is basic and polar, at codon 51 of the SCN4A protein (p.Glu51Lys). This variant is present in population databases (rs751390409, gnomAD 0.002%). This variant has not been reported in the literature in individuals affected with SCN4A-related conditions. ClinVar contains an entry for this variant (Variation ID: 543795). Invitae Evidence Modeling of protein sequence and biophysical properties (such as structural, functional, and spatial information, amino acid conservation, physicochemical variation, residue mobility, and thermodynamic stability) indicates that this missense variant is not expected to disrupt SCN4A protein function with a negative predictive value of 95%. In summary, the available evidence is currently insufficient to determine the role of this variant in disease. Therefore, it has been classified as a Variant of Uncertain Significance.

Fulgent Genetics
Classification: Uncertain significance for Paramyotonia congenita of Von Eulenburg; Hyperkalemic periodic paralysis; Potassium-aggravated myotonia; Hypokalemic periodic paralysis, type 2; Congenital myasthenic syndrome 16; Congenital myopathy 22A, classic; Congenital myopathy 22B, severe fetal. Last evaluated: 2024-06-03. Review status: criteria provided, single submitter. Criteria: ACMG Guidelines, 2015. Collection method: clinical testing. Allele origin: germline.

Genomic Research Center, Shahid Beheshti University of Medical Sciences
Classification: Uncertain significance. Last evaluated: 2020-05-03. Review status: criteria provided, single submitter. Criteria: ACMG Guidelines, 2015. Collection method: clinical testing. Allele origin: unknown. Affected: yes.

NM_000334.4(SCN4A):c.151G>A (p.Glu51Lys)

Gene: SCN4A (sodium voltage-gated channel alpha subunit 4; minus strand). Cytogenetic location: 17q23.3.
Variant type: single nucleotide variant.
Coding change: c.151G>A on transcript NM_000334.4 (MANE Select); coding-DNA position 151, G replaced by A.
Protein change: p.Glu51Lys; replaces glutamic acid 51 with lysine.
Molecular consequence: missense variant.
Genome position (GRCh38, 1-based): chr17:63,972,691, C>T on the plus strand (G>A on the coding strand, the complement: SCN4A is on the minus strand). VCF-style: chr17-63972691-C-T. GRCh37 (hg19) VCF-style: chr17-62050051-C-T.
Other names: short protein forms E51K.
Identifiers: ClinVar variation 543795 (VCV000543795.13), dbSNP rs751390409, ClinGen allele CA8710270.